The following is an entry in ClinVar:

NM_001080467.3(MYO5B):c.5387C>T (p.Thr1796Ile)

Genes: MYO5B (myosin VB; minus strand), SNHG22 (small nucleolar RNA host gene 22; plus strand). Cytogenetic location: 18q21.1.
Variant type: single nucleotide variant.
Coding change: c.5387C>T on transcript NM_001080467.3 (MANE Select); coding-DNA position 5387, C replaced by T.
Protein change: p.Thr1796Ile; replaces threonine 1796 with isoleucine.
Molecular consequence: missense variant.
Genome position (GRCh38, 1-based): chr18:49,835,351, G>A on the plus strand (C>T on the coding strand, the complement: MYO5B is on the minus strand). VCF-style: chr18-49835351-G-A. GRCh37 (hg19) VCF-style: chr18-47361721-G-A.
Other names: short protein forms T1796I.
Identifiers: ClinVar variation 3688532 (VCV003688532.2).

ClinVar aggregate classification (germline): Uncertain significance (1 of 4 stars; one submission).

gnomAD v4.1: 21 of 1,607,118 alleles (0.0013%); highest among the groups gnomAD compares: Non-Finnish European, 0.0018%; no homozygotes.

Submission:

Labcorp Genetics (formerly Invitae), Labcorp
Classification: Uncertain significance. Last evaluated: 2024-02-11. Review status: criteria provided, single submitter. Criteria: Invitae Variant Classification Sherloc (09022015). Collection method: clinical testing. Allele origin: germline.
Comment: This sequence change replaces threonine, which is neutral and polar, with isoleucine, which is neutral and non-polar, at codon 1796 of the MYO5B protein (p.Thr1796Ile). This variant is present in population databases (rs371592622, gnomAD 0.002%). This variant has not been reported in the literature in individuals affected with MYO5B-related conditions. Advanced modeling of protein sequence and biophysical properties (such as structural, functional, and spatial information, amino acid conservation, physicochemical variation, residue mobility, and thermodynamic stability) performed at Invitae indicates that this missense variant is not expected to disrupt MYO5B protein function with a negative predictive value of 80%. In summary, the available evidence is currently insufficient to determine the role of this variant in disease. Therefore, it has been classified as a Variant of Uncertain Significance.